The following is an entry in ClinVar:

ClinVar aggregate classification (germline): Pathogenic (1 of 4 stars; one submission).

Conditions:
Familial cancer of breast. Also called: Hereditary breast cancer; BREAST CANCER, FAMILIAL; hereditary breast carcinoma. Identifiers: Orphanet 227535, MedGen C0346153, MONDO:0016419, OMIM 114480. Disease mechanism: loss of function.

Submission:

Myriad Genetics, Inc.
Classification: Pathogenic for Familial cancer of breast. Last evaluated: 2023-06-28. Review status: criteria provided, single submitter. Criteria: Myriad Autosomal Dominant, Autosomal Recessive and X-Linked Classification Criteria (2023). Collection method: clinical testing. Allele origin: unknown.
Comment: This variant is considered pathogenic. This variant creates a frameshift predicted to result in premature protein truncation.

NM_007194.4(CHEK2):c.1167dup (p.Tyr390fs)

Gene: CHEK2 (checkpoint kinase 2; minus strand). Cytogenetic location: 22q12.1.
Variant type: Duplication.
Coding change: c.1167dup on transcript NM_007194.4 (MANE Select); coding-DNA position 1167, one base duplicated (C; older notation c.1167dupC).
Protein change: p.Tyr390fs; shifts the reading frame from tyrosine 390.
Molecular consequence: frameshift variant.
Genome position (GRCh38, 1-based): chr22:28,695,802, G duplicated on the plus strand (C on the coding strand, the reverse complement: CHEK2 is on the minus strand); the first of 2 consecutive G bases (chr22:28,695,802-28,695,803); duplicating either gives the same sequence. VCF-style (leftmost placement, unchanged base first): chr22-28695801-A-AG. GRCh37 (hg19) VCF-style: chr22-29091789-A-AG.
Other names: c.1295dup, p.Tyr433Leufs (NM_001005735.3); c.503dup, p.Tyr169Leufs (NM_001257387.3); c.965dup, p.Tyr323Leufs (NM_001349956.3); c.1079dup, p.Tyr361Leufs (NM_145862.3); short protein forms Y169fs, Y323fs, Y361fs, Y390fs, Y433fs.
Identifiers: ClinVar variation 2583446 (VCV002583446.2), dbSNP rs2517807410, ClinGen allele CA2582342792.